The following is an entry in ClinVar:

NM_032730.5(RTN4IP1):c.712C>T (p.Gln238Ter)

Gene: RTN4IP1 (reticulon 4 interacting protein 1; minus strand). Cytogenetic location: 6q21.
Variant type: single nucleotide variant.
Coding change: c.712C>T on transcript NM_032730.5 (MANE Select); coding-DNA position 712, C replaced by T.
Protein change: p.Gln238Ter; replaces glutamine 238 with a stop codon.
Molecular consequence: nonsense.
Genome position (GRCh38, 1-based): chr6:106,592,258, G>A on the plus strand (C>T on the coding strand, the complement: RTN4IP1 is on the minus strand). VCF-style: chr6-106592258-G-A. GRCh37 (hg19) VCF-style: chr6-107040133-G-A.
Other names: c.412C>T, p.Gln138Ter (NM_001318746.1); short protein forms Q238*, Q138*.
Identifiers: ClinVar variation 1968090 (VCV001968090.5), dbSNP rs2482333071, ClinGen allele CA365156661.

ClinVar aggregate classification (germline): Pathogenic (1 of 4 stars; one submission).

Allele frequency attached by ClinVar (database versions not stated): gnomAD exomes 0.00001.
gnomAD v4.1: 10 of 1,613,956 alleles (0.00062%); highest among the groups gnomAD compares: Non-Finnish European, 0.00076%; no homozygotes.

Submission:

Labcorp Genetics (formerly Invitae), Labcorp
Classification: Pathogenic. Last evaluated: 2022-09-14. Review status: criteria provided, single submitter. Criteria: Invitae Variant Classification Sherloc (09022015). Collection method: clinical testing. Allele origin: germline.
Comment: This sequence change creates a premature translational stop signal (p.Gln238*) in the RTN4IP1 gene. It is expected to result in an absent or disrupted protein product. Loss-of-function variants in RTN4IP1 are known to be pathogenic (PMID: 26593267). This variant is not present in population databases (gnomAD no frequency). This variant has not been reported in the literature in individuals affected with RTN4IP1-related conditions. For these reasons, this variant has been classified as Pathogenic.

Literature cited by the submitters: PubMed 26593267.